The following is an entry in ClinVar:

NM_130837.3(OPA1):c.1940A>G (p.Glu647Gly)

Gene: OPA1 (OPA1 mitochondrial dynamin like GTPase; plus strand). Cytogenetic location: 3q29.
Variant type: single nucleotide variant.
Coding change: c.1940A>G on transcript NM_130837.3 (MANE Select); coding-DNA position 1940, A replaced by G.
Protein change: p.Glu647Gly; replaces glutamic acid 647 with glycine.
Molecular consequence: missense variant.
Genome position (GRCh38, 1-based): chr3:193,648,799, A>G. VCF-style: chr3-193648799-A-G. GRCh37 (hg19) VCF-style: chr3-193366588-A-G.
Other names: c.1406A>G, p.Glu469Gly (NM_001354663.2); c.1403A>G, p.Glu468Gly (NM_001354664.2); c.1775A>G, p.Glu592Gly (NM_015560.3); c.1667A>G, p.Glu556Gly (NM_130831.3); c.1721A>G, p.Glu574Gly (NM_130832.3); c.1778A>G, p.Glu593Gly (NM_130833.3); c.1829A>G, p.Glu610Gly (NM_130834.3); c.1832A>G, p.Glu611Gly (NM_130835.3); and 1 more; short protein forms E593G, E556G, E592G, E574G, E611G, E629G, E647G, E468G.
Identifiers: ClinVar variation 4744385 (VCV004744385.1).

ClinVar aggregate classification (germline): Uncertain significance (1 of 4 stars; one submission).

Submission:

Labcorp Genetics (formerly Invitae), Labcorp
Classification: Uncertain significance. Last evaluated: 2025-04-13. Review status: criteria provided, single submitter. Criteria: Invitae Variant Classification Sherloc (09022015). Collection method: clinical testing. Allele origin: germline.
Comment: This sequence change replaces glutamic acid, which is acidic and polar, with glycine, which is neutral and non-polar, at codon 592 of the OPA1 protein (p.Glu592Gly). This variant is not present in population databases (gnomAD no frequency). This variant has not been reported in the literature in individuals affected with OPA1-related conditions. Invitae Evidence Modeling of protein sequence and biophysical properties (such as structural, functional, and spatial information, amino acid conservation, physicochemical variation, residue mobility, and thermodynamic stability) indicates that this missense variant is expected to disrupt OPA1 protein function with a positive predictive value of 80%. In summary, the available evidence is currently insufficient to determine the role of this variant in disease. Therefore, it has been classified as a Variant of Uncertain Significance.